The following is an entry in ClinVar:

NM_014679.5(CEP57):c.787A>C (p.Lys263Gln)

Gene: CEP57 (centrosomal protein 57; plus strand). Cytogenetic location: 11q21.
Variant type: single nucleotide variant.
Coding change: c.787A>C on transcript NM_014679.5 (MANE Select); coding-DNA position 787, A replaced by C.
Protein change: p.Lys263Gln; replaces lysine 263 with glutamine.
Molecular consequence: missense variant.
Genome position (GRCh38, 1-based): chr11:95,821,958, A>C. VCF-style: chr11-95821958-A-C. GRCh37 (hg19) VCF-style: chr11-95555122-A-C.
Other names: c.760A>C, p.Lys254Gln (NM_001243776.2); c.787A>C, p.Lys263Gln (NM_001243777.2); c.706A>C, p.Lys236Gln (NM_001363604.2); short protein forms K263Q, K236Q, K254Q.
Identifiers: ClinVar variation 539585 (VCV000539585.8), dbSNP rs1555052344, ClinGen allele CA382405358.

ClinVar aggregate classification (germline): Uncertain significance (1 of 4 stars; one submission).

Conditions:
Mosaic variegated aneuploidy syndrome 2 (MVA2). Identifiers: Orphanet 1052, MedGen C3279843, MONDO:0013582, OMIM 614114.

Submission:

Labcorp Genetics (formerly Invitae), Labcorp
Classification: Uncertain significance for Mosaic variegated aneuploidy syndrome 2. Last evaluated: 2017-12-05. Review status: criteria provided, single submitter. Criteria: Invitae Variant Classification Sherloc (09022015). Collection method: clinical testing. Allele origin: germline.
Comment: This sequence change replaces lysine with glutamine at codon 263 of the CEP57 protein (p.Lys263Gln). The lysine residue is moderately conserved and there is a small physicochemical difference between lysine and glutamine. This variant is not present in population databases (ExAC no frequency). This variant has not been reported in the literature in individuals with CEP57-related disease. Algorithms developed to predict the effect of missense changes on protein structure and function do not agree on the potential impact of this missense change (SIFT: "Tolerated"; PolyPhen-2: "Probably Damaging"; Align-GVGD: "Class C0"). In summary, the available evidence is currently insufficient to determine the role of this variant in disease. Therefore, it has been classified as a Variant of Uncertain Significance.